The following is an entry in ClinVar:

ClinVar aggregate classification (germline): Uncertain significance (1 of 4 stars; one submission).

Conditions:
Inborn genetic diseases. Identifiers: MedGen C0950123, MeSH D030342.

Submission:

Ambry Genetics
Classification: Uncertain significance for Inborn genetic diseases. Last evaluated: 2024-08-19. Review status: criteria provided, single submitter. Criteria: Ambry Variant Classification Scheme 2023. Collection method: clinical testing. Allele origin: germline.
Comment: The p.E2193D variant (also known as c.6579A>T), located in coding exon 45 of the LRRK2 gene, results from an A to T substitution at nucleotide position 6579. The glutamic acid at codon 2193 is replaced by aspartic acid, an amino acid with highly similar properties. This amino acid position is conserved. In addition, this alteration is predicted to be tolerated by in silico analysis. Based on the available evidence, the clinical significance of this variant remains unclear.

NM_198578.4(LRRK2):c.6579A>T (p.Glu2193Asp)

Gene: LRRK2 (leucine rich repeat kinase 2; plus strand). Cytogenetic location: 12q12.
Variant type: single nucleotide variant.
Coding change: c.6579A>T on transcript NM_198578.4 (MANE Select); coding-DNA position 6579, A replaced by T.
Protein change: p.Glu2193Asp; replaces glutamic acid 2193 with aspartic acid.
Molecular consequence: missense variant.
Genome position (GRCh38, 1-based): chr12:40,354,301, A>T. VCF-style: chr12-40354301-A-T. GRCh37 (hg19) VCF-style: chr12-40748103-A-T.
Other names: short protein forms E2193D.
Identifiers: ClinVar variation 3540635 (VCV003540635.1).